The following is an entry in ClinVar:

NM_018136.5(ASPM):c.8546T>A (p.Met2849Lys)

Gene: ASPM (assembly factor for spindle microtubules; minus strand). Cytogenetic location: 1q31.3.
Variant type: single nucleotide variant.
Coding change: c.8546T>A on transcript NM_018136.5 (MANE Select); coding-DNA position 8546, T replaced by A.
Protein change: p.Met2849Lys; replaces methionine 2849 with lysine.
Molecular consequence: missense variant. On other transcripts: intron variant (1).
Genome position (GRCh38, 1-based): chr1:197,100,705, A>T on the plus strand (T>A on the coding strand, the complement: ASPM is on the minus strand). VCF-style: chr1-197100705-A-T. GRCh37 (hg19) VCF-style: chr1-197069835-A-T.
Other names: c.4066-4541T>A (NM_001206846.2); short protein forms M2849K.
Identifiers: ClinVar variation 1717065 (VCV001717065.5), dbSNP rs2527287919, ClinGen allele CA344012372.

ClinVar aggregate classification (germline): Uncertain significance (1 of 4 stars; one submission).

Submission:

Labcorp Genetics (formerly Invitae), Labcorp
Classification: Uncertain significance. Last evaluated: 2022-08-20. Review status: criteria provided, single submitter. Criteria: Invitae Variant Classification Sherloc (09022015). Collection method: clinical testing. Allele origin: germline.
Comment: This variant is not present in population databases (gnomAD no frequency). This sequence change replaces methionine, which is neutral and non-polar, with lysine, which is basic and polar, at codon 2849 of the ASPM protein (p.Met2849Lys). This variant has not been reported in the literature in individuals affected with ASPM-related conditions. Algorithms developed to predict the effect of missense changes on protein structure and function are either unavailable or do not agree on the potential impact of this missense change (SIFT: "Deleterious"; PolyPhen-2: "Possibly Damaging"; Align-GVGD: "Class C0"). In summary, the available evidence is currently insufficient to determine the role of this variant in disease. Therefore, it has been classified as a Variant of Uncertain Significance.